The following is an entry in ClinVar:

NM_001963.6(EGF):c.3158G>A (p.Gly1053Glu)

Gene: EGF (epidermal growth factor; plus strand). Cytogenetic location: 4q25.
Variant type: single nucleotide variant.
Coding change: c.3158G>A on transcript NM_001963.6 (MANE Select); coding-DNA position 3158, G replaced by A.
Protein change: p.Gly1053Glu; replaces glycine 1053 with glutamic acid.
Molecular consequence: missense variant.
Genome position (GRCh38, 1-based): chr4:109,999,831, G>A. VCF-style: chr4-109999831-G-A. GRCh37 (hg19) VCF-style: chr4-110920987-G-A.
Other names: c.3035G>A, p.Gly1012Glu (NM_001178130.3); c.3032G>A, p.Gly1011Glu (NM_001178131.3); c.2789G>A, p.Gly930Glu (NM_001357021.2); short protein forms G1011E, G1053E, G930E, G1012E.
Identifiers: ClinVar variation 2695686 (VCV002695686.3), dbSNP rs2545910445, ClinGen allele CA357874032.

ClinVar aggregate classification (germline): Uncertain significance (1 of 4 stars; one submission).

Allele frequency attached by ClinVar (database versions not stated): gnomAD exomes below 0.00001.
gnomAD v4.1: 1 of 1,613,502 alleles (0.000062%); highest among the groups gnomAD compares: Non-Finnish European, 0.000085%; no homozygotes.

Submission:

Labcorp Genetics (formerly Invitae), Labcorp
Classification: Uncertain significance. Last evaluated: 2023-06-09. Review status: criteria provided, single submitter. Criteria: Invitae Variant Classification Sherloc (09022015). Collection method: clinical testing. Allele origin: germline.
Comment: In summary, the available evidence is currently insufficient to determine the role of this variant in disease. Therefore, it has been classified as a Variant of Uncertain Significance. An algorithm developed to predict the effect of missense changes on protein structure and function (PolyPhen-2) suggests that this variant is likely to be disruptive. This variant has not been reported in the literature in individuals affected with EGF-related conditions. This variant is not present in population databases (gnomAD no frequency). This sequence change replaces glycine, which is neutral and non-polar, with glutamic acid, which is acidic and polar, at codon 1053 of the EGF protein (p.Gly1053Glu).